The following is an entry in ClinVar:

ClinVar aggregate classification (germline): Conflicting classifications of pathogenicity. Review status: criteria provided, conflicting classifications (1 of 4 stars). 7 submissions from 7 submitters: Uncertain significance (1); Benign (4); Likely benign (2). Last evaluated 2026-06-17.

Conditions:
ZEB2-related disorder. Also called: ZEB2-related condition.
Inborn genetic diseases. Identifiers: MedGen C0950123, MeSH D030342.
Mowat-Wilson syndrome (MOWS). Also called: Classic Mowat-Wilson Syndrome. Identifiers: Orphanet 2152, MedGen C1856113, MONDO:0009341, OMIM 235730.

Allele frequency attached by ClinVar (database versions not stated): 1000 Genomes Project 30x 0.00016; TOPMed 0.00023; 1000 Genomes Project 0.00040.
gnomAD v4.1: 240 of 1,613,638 alleles (0.015%); highest among the groups gnomAD compares: East Asian, 0.25%; 3 homozygotes.

Submissions (7):

PreventionGenetics, part of Exact Sciences
Classification: Likely benign for ZEB2-related condition. Last evaluated: 2026-06-17. Review status: criteria provided, single submitter. Criteria: ACMG Guidelines, 2015. Collection method: clinical testing. Allele origin: germline.
Comment: This variant is classified as likely benign based on ACMG/AMP sequence variant interpretation guidelines (Richards et al. 2015 PMID: 25741868, with internal and published modifications).

Labcorp Genetics (formerly Invitae), Labcorp
Classification: Benign for Mowat-Wilson syndrome. Last evaluated: 2025-12-30. Review status: criteria provided, single submitter. Criteria: Invitae Variant Classification Sherloc (09022015). Collection method: clinical testing. Allele origin: germline.

Blueprint Genetics
Classification: Likely benign. Last evaluated: 2024-05-06. Review status: criteria provided, single submitter. Criteria: ACMG Guidelines, 2015. Collection method: clinical testing. Allele origin: germline.

Genome-Nilou Lab
Classification: Benign for Mowat-Wilson syndrome. Last evaluated: 2021-11-07. Review status: criteria provided, single submitter. Criteria: ACMG Guidelines, 2015. Collection method: clinical testing. Allele origin: germline. Affected: no.

Ambry Genetics
Classification: Uncertain significance for Inborn genetic diseases. Last evaluated: 2016-12-02. Review status: criteria provided, single submitter. Criteria: Ambry Variant Classification Scheme 2023. Collection method: clinical testing. Allele origin: germline.
Comment: The p.Q3H variant (also known as c.9G>C), located in coding exon 1 of the ZEB2 gene, results from a G to C substitution at nucleotide position 9. The glutamine at codon 3 is replaced by histidine, an amino acid with highly similar properties. This amino acid position is highly conserved in available vertebrate species. In addition, the in silico prediction for this alteration is inconclusive. Based on data from ExAC, the C allele has an overall frequency of approximately 0.034% (36/105,942) total alleles studied (TCGA excluded). The highest observed frequency was 0.216% (17/7,854) of East Asian alleles. Since supporting evidence is limited at this time, the clinical significance of this alteration remains unclear.

GeneDx
Classification: Benign. Last evaluated: 2016-04-06. Review status: criteria provided, single submitter. Criteria: GeneDx Variant Classification (06012015). Collection method: clinical testing. Allele origin: germline. Affected: yes.
Comment: This variant is considered likely benign or benign based on one or more of the following criteria: it is a conservative change, it occurs at a poorly conserved position in the protein, it is predicted to be benign by multiple in silico algorithms, and/or has population frequency not consistent with disease.

Genetic Services Laboratory, University of Chicago
Classification: Benign. Last evaluated: 2016-03-30. Review status: criteria provided, single submitter. Criteria: ACMG Guidelines, 2015. Collection method: clinical testing. Allele origin: germline. Affected: no.

NM_014795.4(ZEB2):c.9G>C (p.Gln3His)

Gene: ZEB2 (zinc finger E-box binding homeobox 2; minus strand). Cytogenetic location: 2q22.3.
Variant type: single nucleotide variant.
Coding change: c.9G>C on transcript NM_014795.4 (MANE Select); coding-DNA position 9, G replaced by C.
Protein change: p.Gln3His; replaces glutamine 3 with histidine.
Molecular consequence: missense variant. On other transcripts: non-coding transcript variant (1).
Genome position (GRCh38, 1-based): chr2:144,517,342, C>G on the plus strand (G>C on the coding strand, the complement: ZEB2 is on the minus strand). VCF-style: chr2-144517342-C-G. GRCh37 (hg19) VCF-style: chr2-145274909-C-G.
Other names: p.Q3H:CAG>CAC; c.9G>C, p.Gln3His (NM_001171653.2); short protein forms Q3H.
Identifiers: ClinVar variation 160332 (VCV000160332.24), dbSNP rs149882004, ClinGen allele CA295210.